The following is an entry in ClinVar:

ClinVar aggregate classification (germline): Conflicting classifications of pathogenicity. Review status: criteria provided, conflicting classifications (1 of 4 stars). 4 submissions from 4 submitters: Uncertain significance (1); Likely benign (2). 1 of the submissions does not count toward it. Last evaluated 2024-07-01.

Conditions:
TOP2A-related disorder. Also called: TOP2A-related condition.

Allele frequency attached by ClinVar (database versions not stated): 1000 Genomes Project 30x 0.00265; 1000 Genomes Project 0.00300; TOPMed 0.00322; gnomAD 0.00360 and 0.00369; gnomAD exomes 0.00409 and 0.00500; ESP Exome Variant Server 0.00418; ExAC 0.00583.
gnomAD v4.1: 7,708 of 1,595,584 alleles (0.48%); highest among the groups gnomAD compares: Non-Finnish European, 0.56%; 30 homozygotes.

Submissions (7):

CeGaT Center for Human Genetics Tuebingen
Classification: Likely benign. Last evaluated: 2024-07-01. Review status: criteria provided, single submitter. Criteria: CeGaT Center For Human Genetics Tuebingen Variant Classification Criteria Version 2. Collection method: clinical testing. Allele origin: germline. Affected: yes. Observed: 1 variant allele.
Comment: TOP2A: BP4, BS2

Labcorp Genetics (formerly Invitae), Labcorp
Classification: Likely benign. Last evaluated: 2019-12-31. Review status: criteria provided, single submitter. Criteria: Invitae Variant Classification Sherloc (09022015). Collection method: clinical testing. Allele origin: germline.

Genomic Research Center, Shahid Beheshti University of Medical Sciences
Classification: Uncertain significance. Last evaluated: 2018-08-07. Review status: criteria provided, single submitter. Criteria: ACMG Guidelines, 2015. Collection method: clinical testing. Allele origin: inherited. Affected: yes. Observed: 1 variant allele.

PreventionGenetics, part of Exact Sciences
Classification: Likely benign for TOP2A-related condition. Last evaluated: 2020-02-11. Review status: no assertion criteria provided. Collection method: clinical testing. Allele origin: germline. Not counted in ClinVar's aggregate classification.
Comment: This variant is classified as likely benign based on ACMG/AMP sequence variant interpretation guidelines (Richards et al. 2015 PMID: 25741868, with internal and published modifications).

Dr. Peter K. Rogan Lab, Western University
No classification provided (evidence only). Condition: Familial cancer of breast. Review status: no classification provided. Collection method: in vitro. Allele origin: not applicable. Functional consequence: skipped exon. Not counted in ClinVar's aggregate classification.

Dr. Peter K. Rogan Lab, Western University
No classification provided (evidence only). Condition: Sarcoma. Review status: no classification provided. Collection method: in vitro. Allele origin: not applicable. Functional consequence: retained intron. Not counted in ClinVar's aggregate classification.

Dr. Peter K. Rogan Lab, Western University
No classification provided (evidence only). Condition: Adrenocortical carcinoma, hereditary. Review status: no classification provided. Collection method: in vitro. Allele origin: not applicable. Functional consequence: retained intron. Not counted in ClinVar's aggregate classification.

NM_001067.4(TOP2A):c.1737+5G>A

Gene: TOP2A (DNA topoisomerase II alpha; minus strand). Cytogenetic location: 17q21.2.
Variant type: single nucleotide variant.
Coding change: c.1737+5G>A on transcript NM_001067.4 (MANE Select); 5 bases into the intron after coding-DNA position 1737, G replaced by A.
Molecular consequence: intron variant.
Genome position (GRCh38, 1-based): chr17:40,406,827, C>T on the plus strand (G>A on the coding strand, the complement: TOP2A is on the minus strand). VCF-style: chr17-40406827-C-T. GRCh37 (hg19) VCF-style: chr17-38563079-C-T.
Other names: NC_000017.10:g.38563079C>T.
Identifiers: ClinVar variation 587549 (VCV000587549.28), dbSNP rs140672916, ClinGen allele CA8543530.